The following is an entry in ClinVar:

ClinVar aggregate classification (germline): Uncertain significance (1 of 4 stars; one submission).

Conditions:
Rolandic epilepsy, impaired intellectual development, and speech dyspraxia, X-linked. Also called: Rolandic epilepsy, impaired intellectual development, and speech dyspraxia; Rolandic epilepsy, intellectual disability, and speech dyspraxia, X-linked. Identifiers: MedGen C1845070, MONDO:0010388, OMIM 300643.

Allele frequency attached by ClinVar (database versions not stated): gnomAD exomes below 0.00001 and 0.00001; TOPMed below 0.00001.
gnomAD v4.1: 1 of 1,209,902 alleles (0.000083%); highest among the groups gnomAD compares: Admixed American, 0.0022%; no homozygotes.

Submission:

Labcorp Genetics (formerly Invitae), Labcorp
Classification: Uncertain significance for Rolandic epilepsy, impaired intellectual development, and speech dyspraxia, X-linked. Last evaluated: 2020-11-10. Review status: criteria provided, single submitter. Criteria: Invitae Variant Classification Sherloc (09022015). Collection method: clinical testing. Allele origin: germline.
Comment: This sequence change replaces isoleucine with threonine at codon 378 of the SRPX2 protein (p.Ile378Thr). The isoleucine residue is moderately conserved and there is a moderate physicochemical difference between isoleucine and threonine. This variant is not present in population databases (ExAC no frequency). This variant has not been reported in the literature in individuals with SRPX2-related conditions. Algorithms developed to predict the effect of missense changes on protein structure and function are either unavailable or do not agree on the potential impact of this missense change (SIFT: "Deleterious"; PolyPhen-2: "Benign"; Align-GVGD: "Class C65"). In summary, the available evidence is currently insufficient to determine the role of this variant in disease. Therefore, it has been classified as a Variant of Uncertain Significance.

NM_014467.3(SRPX2):c.1133T>C (p.Ile378Thr)

Gene: SRPX2 (sushi repeat containing protein X-linked 2; plus strand). Cytogenetic location: Xq22.1.
Variant type: single nucleotide variant.
Coding change: c.1133T>C on transcript NM_014467.3 (MANE Select); coding-DNA position 1133, T replaced by C.
Protein change: p.Ile378Thr; replaces isoleucine 378 with threonine.
Molecular consequence: missense variant.
Genome position (GRCh38, 1-based): chrX:100,669,285, T>C. VCF-style: chrX-100669285-T-C. GRCh37 (hg19) VCF-style: chrX-99924282-T-C.
Other names: short protein forms I378T.
Identifiers: ClinVar variation 1421593 (VCV001421593.8), dbSNP rs1483904597, ClinGen allele CA413915564.
Genomic context (GRCh38, chrX:100,669,285, plus strand): 5'-AAAATGTTCTGTCTCCCTCCCAGCAATCCACCTGTGGACTGGATTTGCGGCATGTGACCA[T>C]CATTGAACTGGTGGGACAGCCACCTCAGGAGGTGGGGCGCATCCGGGAGCAACAGCTGTC-3'
Protein context (NP_055282.1, residues 368-388): TCGLDLRHVT[Ile378Thr]IELVGQPPQE